The following is an entry in ClinVar:

NM_024027.5(COLEC11):c.328G>T (p.Gly110Cys)

Gene: COLEC11 (collectin subfamily member 11; plus strand). Cytogenetic location: 2p25.3.
Variant type: single nucleotide variant.
Coding change: c.328G>T on transcript NM_024027.5 (MANE Select); coding-DNA position 328, G replaced by T.
Protein change: p.Gly110Cys; replaces glycine 110 with cysteine.
Molecular consequence: missense variant. On other transcripts: non-coding transcript variant (1).
Genome position (GRCh38, 1-based): chr2:3,640,331, G>T. VCF-style: chr2-3640331-G-T. GRCh37 (hg19) VCF-style: chr2-3687921-G-T.
Other names: c.256G>T, p.Gly86Cys (NM_001255982.2, NM_001255983.2); c.184G>T, p.Gly62Cys (NM_001255984.2); c.370G>T, p.Gly124Cys (NM_001255985.1); c.250G>T, p.Gly84Cys (NM_001255986.1); c.178G>T, p.Gly60Cys (NM_001255987.1, NM_001255988.1); c.106G>T, p.Gly36Cys (NM_001255989.1); c.319G>T, p.Gly107Cys (NM_199235.3); short protein forms G107C, G124C, G36C, G62C, G84C, G60C, G110C, G86C.
Identifiers: ClinVar variation 2269893 (VCV002269893.2), dbSNP rs2528465858, ClinGen allele CA345747832.

ClinVar aggregate classification (germline): Uncertain significance (1 of 4 stars; one submission).

Conditions:
Inborn genetic diseases. Identifiers: MedGen C0950123, MeSH D030342.

Submission:

Ambry Genetics
Classification: Uncertain significance for Inborn genetic diseases. Last evaluated: 2022-03-29. Review status: criteria provided, single submitter. Criteria: Ambry Variant Classification Scheme 2023. Collection method: clinical testing. Allele origin: germline.
Comment: Occurs in the last base pair of the exon Based on insufficient or conflicting evidence, the clinical significance of this alteration remains unclear.